The following is an entry in ClinVar:

ClinVar aggregate classification (germline): Uncertain significance (1 of 4 stars; one submission).

Allele frequency attached by ClinVar (database versions not stated): gnomAD 0.00001.
gnomAD v4.1: 3 of 1,613,666 alleles (0.00019%); highest among the groups gnomAD compares: Admixed American, 0.0033%; no homozygotes.

Submission:

Labcorp Genetics (formerly Invitae), Labcorp
Classification: Uncertain significance. Last evaluated: 2024-09-05. Review status: criteria provided, single submitter. Criteria: Invitae Variant Classification Sherloc (09022015). Collection method: clinical testing. Allele origin: germline.
Comment: This sequence change replaces arginine, which is basic and polar, with glycine, which is neutral and non-polar, at codon 4301 of the FAT2 protein (p.Arg4301Gly). This variant is not present in population databases (gnomAD no frequency). This variant has not been reported in the literature in individuals affected with FAT2-related conditions. An algorithm developed to predict the effect of missense changes on protein structure and function (PolyPhen-2) suggests that this variant is likely to be disruptive. In summary, the available evidence is currently insufficient to determine the role of this variant in disease. Therefore, it has been classified as a Variant of Uncertain Significance.

NM_001447.3(FAT2):c.12901C>G (p.Arg4301Gly)

Genes: FAT2 (FAT atypical cadherin 2; minus strand), SLC36A1 (solute carrier family 36 member 1; plus strand). Cytogenetic location: 5q33.1.
Variant type: single nucleotide variant.
Coding change: c.12901C>G on transcript NM_001447.3 (MANE Select); coding-DNA position 12901, C replaced by G.
Protein change: p.Arg4301Gly; replaces arginine 4301 with glycine.
Molecular consequence: missense variant.
Genome position (GRCh38, 1-based): chr5:151,505,714, G>C on the plus strand (C>G on the coding strand, the complement: FAT2 is on the minus strand). VCF-style: chr5-151505714-G-C. GRCh37 (hg19) VCF-style: chr5-150885275-G-C.
Other names: short protein forms R4301G.
Identifiers: ClinVar variation 2984750 (VCV002984750.3), dbSNP rs1445622376, ClinGen allele CA361814827.